The following is an entry in ClinVar:

NM_000257.4(MYH7):c.1478T>G (p.Met493Arg)

Gene: MYH7 (myosin heavy chain 7; minus strand). Cytogenetic location: 14q11.2.
Variant type: single nucleotide variant.
Coding change: c.1478T>G on transcript NM_000257.4 (MANE Select); coding-DNA position 1478, T replaced by G.
Protein change: p.Met493Arg; replaces methionine 493 with arginine.
Molecular consequence: missense variant.
Genome position (GRCh38, 1-based): chr14:23,428,600, A>C on the plus strand (T>G on the coding strand, the complement: MYH7 is on the minus strand). VCF-style: chr14-23428600-A-C. GRCh37 (hg19) VCF-style: chr14-23897809-A-C.
Other names: c.1478T>G, p.Met493Arg (NM_001407004.1); short protein forms M493R.
Identifiers: ClinVar variation 2811256 (VCV002811256.3), dbSNP rs786205905, ClinGen allele CA389050506.

ClinVar aggregate classification (germline): Likely pathogenic (1 of 4 stars; one submission).

Conditions:
Hypertrophic cardiomyopathy. Also called: HYPERTROPHIC MYOCARDIOPATHY. Identifiers: Orphanet 217569, MedGen C0007194, MeSH D002312, MONDO:0005045, HP:0001639.

Submission:

Labcorp Genetics (formerly Invitae), Labcorp
Classification: Likely pathogenic for Hypertrophic cardiomyopathy. Last evaluated: 2024-08-20. Review status: criteria provided, single submitter. Criteria: Invitae Variant Classification Sherloc (09022015). Collection method: clinical testing. Allele origin: germline.
Comment: This sequence change replaces methionine, which is neutral and non-polar, with arginine, which is basic and polar, at codon 493 of the MYH7 protein (p.Met493Arg). This variant is not present in population databases (gnomAD no frequency). This variant has not been reported in the literature in individuals affected with MYH7-related conditions. Invitae Evidence Modeling of protein sequence and biophysical properties (such as structural, functional, and spatial information, amino acid conservation, physicochemical variation, residue mobility, and thermodynamic stability) indicates that this missense variant is expected to disrupt MYH7 protein function with a positive predictive value of 95%. This variant disrupts the p.Met493 amino acid residue in MYH7. Other variant(s) that disrupt this residue have been observed in individuals with MYH7-related conditions (PMID: 23816408, 24093860, 28615295), which suggests that this may be a clinically significant amino acid residue. In summary, the currently available evidence indicates that the variant is pathogenic, but additional data are needed to prove that conclusively. Therefore, this variant has been classified as Likely Pathogenic.

Literature cited by the submitters: PubMed 23816408; PubMed 24093860; PubMed 28615295.